The following is an entry in ClinVar:

NM_173353.4(TPH2):c.616C>T (p.Pro206Ser)

Gene: TPH2 (tryptophan hydroxylase 2; plus strand). Cytogenetic location: 12q21.1.
Variant type: single nucleotide variant.
Coding change: c.616C>T on transcript NM_173353.4 (MANE Select); coding-DNA position 616, C replaced by T.
Protein change: p.Pro206Ser; replaces proline 206 with serine.
Molecular consequence: missense variant.
Genome position (GRCh38, 1-based): chr12:71,972,526, C>T. VCF-style: chr12-71972526-C-T. GRCh37 (hg19) VCF-style: chr12-72366306-C-T.
Other names: short protein forms P206S.
Identifiers: ClinVar variation 3164 (VCV000003164.11), dbSNP rs17110563, ClinGen allele CA116043.

ClinVar aggregate classification (germline): Uncertain significance. Review status: criteria provided, multiple submitters, no conflicts (2 of 4 stars). 3 submissions from 3 submitters: Uncertain significance (2). 1 of the submissions does not count toward it. Last evaluated 2021-12-09.

Conditions:
Major depressive disorder (MDD). Also called: UNIPOLAR DEPRESSION. Identifiers: MedGen C1269683, MONDO:0002009, OMIM 608516.
Attention deficit-hyperactivity disorder, susceptibility to, 7 (ADHD7). Identifiers: MedGen C2751802, MONDO:0013076, OMIM 613003.
Tryptophan 5-monooxygenase deficiency. Identifiers: MedGen CN120491.
Bipolar affective disorder, susceptibility to.

Allele frequency attached by ClinVar (database versions not stated): 1000 Genomes Project 0.00040; 1000 Genomes Project 30x 0.00062; gnomAD 0.00105 and 0.00107; TOPMed 0.00116; ExAC 0.00119; gnomAD exomes 0.00119 and 0.00155.
gnomAD v4.1: 2,403 of 1,614,092 alleles (0.15%); highest among the groups gnomAD compares: South Asian, 0.17%; 6 homozygotes.

Submissions (3):

Fulgent Genetics
Classification: Uncertain significance for Major depressive disorder; Attention deficit-hyperactivity disorder, susceptibility to, 7. Last evaluated: 2021-12-09. Review status: criteria provided, single submitter. Criteria: ACMG Guidelines, 2015. Collection method: clinical testing. Allele origin: unknown.

Illumina Laboratory Services, Illumina
Classification: Uncertain significance for Tryptophan 5-monooxygenase deficiency. Last evaluated: 2017-04-27. Review status: criteria provided, single submitter. Criteria: ICSL Variant Classification Criteria 13 December 2019. Collection method: clinical testing. Allele origin: germline.
Comment: This variant was observed as part of a predisposition screen in an ostensibly healthy population. A literature search was performed for the gene, cDNA change, and amino acid change (where applicable). Publications were found based on this search. However, the evidence from the literature, in combination with allele frequency data from public databases where available, was not sufficient to rule this variant in or out of causing disease. Therefore, this variant is classified as a variant of unknown significance.

OMIM
Classification: risk factor for BIPOLAR AFFECTIVE DISORDER, SUSCEPTIBILITY TO. Last evaluated: 2008-04-01. Review status: no assertion criteria provided. Collection method: literature only. Allele origin: germline. Not counted in ClinVar's aggregate classification.

Literature cited by the submitters: PubMed 19319927 (cited by Illumina Laboratory Services, Illumina); PubMed 17905754 (cited by Illumina Laboratory Services, Illumina and OMIM); PubMed 18347598 (cited by OMIM).